The following is an entry in ClinVar:

NM_000419.5(ITGA2B):c.409-24C>T

Genes: ITGA2B (integrin subunit alpha 2b; minus strand), LOC130060983 (ATAC-STARR-seq lymphoblastoid active region 12261; plus strand). Cytogenetic location: 17q21.31.
Variant type: single nucleotide variant.
Coding change: c.409-24C>T on transcript NM_000419.5 (MANE Select); 24 bases into the intron before coding-DNA position 409, C replaced by T.
Molecular consequence: intron variant.
Genome position (GRCh38, 1-based): chr17:44,385,740, G>A on the plus strand (C>T on the coding strand, the complement: ITGA2B is on the minus strand). VCF-style: chr17-44385740-G-A. GRCh37 (hg19) VCF-style: chr17-42463108-G-A.
Identifiers: ClinVar variation 953006 (VCV000953006.2), dbSNP rs199738595, ClinGen allele CA8603465.

ClinVar aggregate classification (germline): Benign (3 of 4 stars; one submission).

Conditions:
Glanzmann thrombasthenia. Also called: BLEEDING DISORDER, PLATELET-TYPE, 2; THROMBASTHENIA OF GLANZMANN AND NAEGELI; PLATELET GLYCOPROTEIN IIb-IIIa DEFICIENCY; Glanzmann's thrombasthenia; Thrombasthenia. Identifiers: Orphanet 849, MedGen C0040015, MONDO:0100326.

Allele frequency attached by ClinVar (database versions not stated): gnomAD exomes 0.00062; ExAC 0.00068; ESP Exome Variant Server 0.00215; gnomAD 0.00244 and 0.00262; 1000 Genomes Project 30x 0.00265; TOPMed 0.00270; 1000 Genomes Project 0.00280.
gnomAD v4.1: 671 of 1,613,460 alleles (0.042%); highest among the groups gnomAD compares: African/African-American, 0.81%; 2 homozygotes.

Submission:

ClinGen Platelet Disorders Variant Curation Expert Panel, ClinGen
Classification: Benign for Glanzmann thrombasthenia. Last evaluated: 2019-07-19. Review status: reviewed by expert panel. Criteria: ClinGen Platelet ACMG Specifications v2. Collection method: curation. Allele origin: germline. Inheritance: Autosomal recessive inheritance.
Comment: The c.409-24C>T intronic variant has not been reported in the literature, to our knowledge. It is present in an African control population at an allele frequency of 0.008379 and no splice impact is predicted. In summary, this variant meets criteria to be classified as benign for GT. GT-specific criteria applied: BA1, BP7.